The following is an entry in ClinVar:

ClinVar aggregate classification (germline): Uncertain significance (1 of 4 stars; one submission).

Allele frequency attached by ClinVar (database versions not stated): ExAC 0.00001; TOPMed 0.00005; gnomAD 0.00007; gnomAD exomes 0.00008.
gnomAD v4.1: 137 of 1,614,038 alleles (0.0085%); highest among the groups gnomAD compares: Non-Finnish European, 0.01%; no homozygotes.

Submission:

GeneDx
Classification: Uncertain significance. Last evaluated: 2022-11-28. Review status: criteria provided, single submitter. Criteria: GeneDx Variant Classification Process June 2021. Collection method: clinical testing. Allele origin: germline. Affected: yes.
Comment: In silico analysis supports that this missense variant has a deleterious effect on protein structure/function; Has not been previously published as pathogenic or benign to our knowledge

NM_001256071.3(RNF213):c.9656T>C (p.Ile3219Thr)

Gene: RNF213 (ring finger protein 213; plus strand). Cytogenetic location: 17q25.3.
Variant type: single nucleotide variant.
Coding change: c.9656T>C on transcript NM_001256071.3 (MANE Select); coding-DNA position 9656, T replaced by C.
Protein change: p.Ile3219Thr; replaces isoleucine 3219 with threonine.
Molecular consequence: missense variant.
Genome position (GRCh38, 1-based): chr17:80,347,991, T>C. VCF-style: chr17-80347991-T-C. GRCh37 (hg19) VCF-style: chr17-78321791-T-C.
Other names: c.9803T>C, p.Ile3268Thr (NM_001410195.1, NM_020914.5); short protein forms I3219T, I3268T.
Identifiers: ClinVar variation 2503141 (VCV002503141.1), dbSNP rs777680749, ClinGen allele CA8821165.